The following is an entry in ClinVar:

ClinVar aggregate classification (germline): Uncertain significance (1 of 4 stars; one submission).

Conditions:
Primary ciliary dyskinesia. Also called: Ciliary dyskinesia. Identifiers: Orphanet 244, MedGen C0008780, MONDO:0016575, HP:0012265.

Allele frequency attached by ClinVar (database versions not stated): TOPMed 0.00002.
gnomAD v4.1: 1 of 1,612,686 alleles (0.000062%); highest among the groups gnomAD compares: Non-Finnish European, 0.000085%; no homozygotes.

Submission:

Labcorp Genetics (formerly Invitae), Labcorp
Classification: Uncertain significance for Primary ciliary dyskinesia. Last evaluated: 2022-09-17. Review status: criteria provided, single submitter. Criteria: Invitae Variant Classification Sherloc (09022015). Collection method: clinical testing. Allele origin: germline.
Comment: This sequence change replaces lysine, which is basic and polar, with asparagine, which is neutral and polar, at codon 190 of the CCDC39 protein (p.Lys190Asn). This variant is not present in population databases (gnomAD no frequency). This variant has not been reported in the literature in individuals affected with CCDC39-related conditions. Algorithms developed to predict the effect of missense changes on protein structure and function are either unavailable or do not agree on the potential impact of this missense change (SIFT: "Deleterious"; PolyPhen-2: "Possibly Damaging"; Align-GVGD: "Class C0"). In summary, the available evidence is currently insufficient to determine the role of this variant in disease. Therefore, it has been classified as a Variant of Uncertain Significance.

NM_181426.2(CCDC39):c.570G>T (p.Lys190Asn)

Gene: CCDC39 (coiled-coil domain 39 molecular ruler complex subunit; minus strand). Cytogenetic location: 3q26.33.
Variant type: single nucleotide variant.
Coding change: c.570G>T on transcript NM_181426.2 (MANE Select); coding-DNA position 570, G replaced by T.
Protein change: p.Lys190Asn; replaces lysine 190 with asparagine.
Molecular consequence: missense variant.
Genome position (GRCh38, 1-based): chr3:180,659,716, C>A on the plus strand (G>T on the coding strand, the complement: CCDC39 is on the minus strand). VCF-style: chr3-180659716-C-A. GRCh37 (hg19) VCF-style: chr3-180377504-C-A.
Other names: short protein forms K190N.
Identifiers: ClinVar variation 1910800 (VCV001910800.2), dbSNP rs1296379276, ClinGen allele CA355302669.
Genomic context (GRCh38, chr3:180,659,716, plus strand): 5'-AAAAATCTTCCTTAAACTAACCTGTGCGCTTATAGTCTCTGTAAGTTCGTTGTCAAGTAT[C>A]TTTCTTTTCTGATTACATTCCAAAGTTAGTCTTTCTAATTGCAGAGTCAGTGCCTATGAT-3'
Protein context (NP_852091.1, residues 180-200): RLTLECNQKR[Lys190Asn]ILDNELTETI